The following is an entry in ClinVar:

ClinVar aggregate classification (germline): Uncertain significance. Review status: criteria provided, multiple submitters, no conflicts (2 of 4 stars). 5 submissions from 5 submitters: Uncertain significance (5). Last evaluated 2026-07-16.

Conditions:
Hypertrophic cardiomyopathy 9. Also called: Familial hypertrophic cardiomyopathy 9. Identifiers: MedGen C1861065, MONDO:0013412, OMIM 613765.
Dilated cardiomyopathy 1G (CMD1G). Identifiers: Orphanet 154, MedGen C1858763, MONDO:0011400, OMIM 604145.
TTN-related disorder. Also called: TTN-related condition; TTN-related disease; TTN-related disorders.
Cardiomyopathy (CMYO). Also called: Cardiomyopathies. Identifiers: Orphanet 167848, MedGen C0878544, MONDO:0004994, HP:0001638. Inheritance: Various modes of inheritance.

Allele frequency attached by ClinVar (database versions not stated): gnomAD 0.00001 and 0.00002; TOPMed 0.00002; gnomAD exomes 0.00003 and 0.00006; ExAC 0.00006.
gnomAD v4.1: 51 of 1,614,052 alleles (0.0032%); highest among the groups gnomAD compares: South Asian, 0.034%; no homozygotes.

Submissions (5):

PreventionGenetics, part of Exact Sciences
Classification: Uncertain significance for TTN-related condition. Last evaluated: 2026-07-16. Review status: criteria provided, single submitter. Criteria: ACMG Guidelines, 2015. Collection method: clinical testing. Allele origin: germline.
Comment: The TTN c.725A>G variant is predicted to result in the amino acid substitution p.Asp242Gly. To our knowledge, this variant has not been reported in the literature. This variant is reported in 0.029% of alleles in individuals of South Asian descent in gnomAD. At this time, the clinical significance of this variant is uncertain due to the absence of conclusive functional and genetic evidence.

Revvity Omics, Revvity
Classification: Uncertain significance. Last evaluated: 2024-05-28. Review status: criteria provided, single submitter. Criteria: ACMG Guidelines, 2015. Collection method: clinical testing. Allele origin: germline.

New York Genome Center
Classification: Uncertain significance for Hypertrophic cardiomyopathy 9; Dilated cardiomyopathy 1G. Last evaluated: 2023-07-25. Review status: criteria provided, single submitter. Criteria: NYGC Assertion Criteria 2020. Collection method: clinical testing. Allele origin: germline. Observed: 1 variant allele.

Eurofins Ntd Llc (ga)
Classification: Uncertain significance. Last evaluated: 2017-09-22. Review status: criteria provided, single submitter. Criteria: EGL Classification Definitions 2015. Collection method: clinical testing. Allele origin: germline. Observed: 2 variant alleles, 2 heterozygotes.

CHEO Genetics Diagnostic Laboratory, Children's Hospital of Eastern Ontario
Classification: Uncertain significance for Cardiomyopathy. Last evaluated: 2016-02-26. Review status: criteria provided, single submitter. Criteria: ACMG Guidelines, 2015. Collection method: clinical testing. Allele origin: germline. Study: Canadian Open Genetics Repository.

NM_001267550.2(TTN):c.725A>G (p.Asp242Gly)

Gene: TTN (titin; minus strand). Cytogenetic location: 2q31.2.
Variant type: single nucleotide variant.
Coding change: c.725A>G on transcript NM_001267550.2 (MANE Select); coding-DNA position 725, A replaced by G.
Protein change: p.Asp242Gly; replaces aspartic acid 242 with glycine.
Molecular consequence: missense variant.
Genome position (GRCh38, 1-based): chr2:178,799,676, T>C on the plus strand (A>G on the coding strand, the complement: TTN is on the minus strand). VCF-style: chr2-178799676-T-C. GRCh37 (hg19) VCF-style: chr2-179664403-T-C.
Other names: c.725A>G, p.Asp242Gly (NM_001256850.1, NM_003319.4, NM_133378.4 and 3 more transcripts); short protein forms D242G.
Identifiers: ClinVar variation 592897 (VCV000592897.12), dbSNP rs773021696, ClinGen allele CA2006235.